The following is an entry in ClinVar:

NM_032153.6(ZIC4):c.152C>T (p.Pro51Leu)

Gene: ZIC4 (Zic family zinc finger 4; minus strand). Cytogenetic location: 3q24.
Variant type: single nucleotide variant.
Coding change: c.152C>T on transcript NM_032153.6 (MANE Select); coding-DNA position 152, C replaced by T.
Protein change: p.Pro51Leu; replaces proline 51 with leucine.
Molecular consequence: missense variant. On other transcripts: intron variant (1).
Genome position (GRCh38, 1-based): chr3:147,396,388, G>A on the plus strand (C>T on the coding strand, the complement: ZIC4 is on the minus strand). VCF-style: chr3-147396388-G-A. GRCh37 (hg19) VCF-style: chr3-147114175-G-A.
Other names: c.302C>T, p.Pro101Leu (NM_001168378.1); c.266C>T, p.Pro89Leu (NM_001168379.2); c.71-5142C>T (NM_001243256.2); short protein forms P101L, P51L, P89L.
Identifiers: ClinVar variation 1975529 (VCV001975529.6), dbSNP rs958291864, ClinGen allele CA84570422.
Genomic context (GRCh38, chr3:147,396,388, plus strand): 5'-ATGTCTCCAGGGAGCCCCAGACGCAGGAGTCCATTCAAAGGACGGCTGGGGGAGGCCTGG[G>A]GAGGCTCCTCGTGGAGGCCCGGGAACACCGAGGGGCTGGAGGCGGCGGTGAGCTGGGGGC-3'
Protein context (NP_115529.2, residues 41-61): SVFPGLHEEP[Pro51Leu]QASPSRPLNG

ClinVar aggregate classification (germline): Uncertain significance. Review status: criteria provided, multiple submitters, no conflicts (2 of 4 stars). 2 submissions from 2 submitters: Uncertain significance (2). Last evaluated 2025-04-09.

Allele frequency attached by ClinVar (database versions not stated): TOPMed below 0.00001; gnomAD exomes 0.00001.
gnomAD v4.1: 11 of 1,530,848 alleles (0.00072%); highest among the groups gnomAD compares: African/African-American, 0.0097%; no homozygotes.

Submissions (2):

Ambry Genetics
Classification: Uncertain significance. Last evaluated: 2025-04-09. Review status: criteria provided, single submitter. Criteria: Ambry Variant Classification Scheme 2023. Collection method: clinical testing. Allele origin: germline.

Labcorp Genetics (formerly Invitae), Labcorp
Classification: Uncertain significance. Last evaluated: 2024-10-14. Review status: criteria provided, single submitter. Criteria: Invitae Variant Classification Sherloc (09022015). Collection method: clinical testing. Allele origin: germline.
Comment: This sequence change replaces proline, which is neutral and non-polar, with leucine, which is neutral and non-polar, at codon 101 of the ZIC4 protein (p.Pro101Leu). This variant is not present in population databases (gnomAD no frequency). This variant has not been reported in the literature in individuals affected with ZIC4-related conditions. ClinVar contains an entry for this variant (Variation ID: 1975529). An algorithm developed to predict the effect of missense changes on protein structure and function (PolyPhen-2) suggests that this variant is likely to be tolerated. In summary, the available evidence is currently insufficient to determine the role of this variant in disease. Therefore, it has been classified as a Variant of Uncertain Significance.